The following is an entry in ClinVar:

NM_000359.3(TGM1):c.876+2T>C

Gene: TGM1 (transglutaminase 1; minus strand). Cytogenetic location: 14q12.
Variant type: single nucleotide variant.
Coding change: c.876+2T>C on transcript NM_000359.3 (MANE Select); the canonical splice donor site of the intron after coding-DNA position 876, T replaced by C.
Molecular consequence: splice donor variant.
Genome position (GRCh38, 1-based): chr14:24,259,938, A>G on the plus strand (T>C on the coding strand, the complement: TGM1 is on the minus strand). VCF-style: chr14-24259938-A-G. GRCh37 (hg19) VCF-style: chr14-24729144-A-G.
Identifiers: ClinVar variation 372533 (VCV000372533.20), dbSNP rs151054393, ClinGen allele CA16042951.

ClinVar aggregate classification (germline): Pathogenic/Likely pathogenic. Review status: criteria provided, multiple submitters, no conflicts (2 of 4 stars). 7 submissions from 7 submitters: Pathogenic (6); Likely pathogenic (1). Last evaluated 2025-04-28.

Conditions:
Autosomal recessive congenital ichthyosis 1 (LI1). Also called: COLLODION FETUS; DESQUAMATION OF NEWBORN; ICHTHYOSIS CONGENITA; ICHTHYOSIS CONGENITA II; LAMELLAR EXFOLIATION OF NEWBORN; ICHTHYOSIS, CONGENITAL, AUTOSOMAL RECESSIVE 1, WITH OR WITHOUT BATHING SUIT DISTRIBUTION. Identifiers: MedGen C4551630, MONDO:0009441, OMIM 242300.

Allele frequency attached by ClinVar (database versions not stated): gnomAD exomes 0.00002 and 0.00003; gnomAD 0.00003 and 0.00004; TOPMed 0.00003.
gnomAD v4.1: 49 of 1,613,612 alleles (0.003%); highest among the groups gnomAD compares: Non-Finnish European, 0.0041%; no homozygotes.

Submissions (7):

Labcorp Genetics (formerly Invitae), Labcorp
Classification: Pathogenic. Last evaluated: 2025-04-28. Review status: criteria provided, single submitter. Criteria: Invitae Variant Classification Sherloc (09022015). Collection method: clinical testing. Allele origin: germline.
Comment: This sequence change affects a donor splice site in intron 5 of the TGM1 gene. It is expected to disrupt RNA splicing. Variants that disrupt the donor or acceptor splice site typically lead to a loss of protein function (PMID: 16199547), and loss-of-function variants in TGM1 are known to be pathogenic (PMID: 18948357, 19241467). This variant is present in population databases (rs151054393, gnomAD 0.004%). Disruption of this splice site has been observed in individuals with congenital ichthyosis (PMID: 18948357, 22437313, 28403434). This variant is also known as IVS5+2T>C. ClinVar contains an entry for this variant (Variation ID: 372533). Algorithms developed to predict the effect of sequence changes on RNA splicing suggest that this variant may disrupt the consensus splice site. For these reasons, this variant has been classified as Pathogenic.

Natera, Inc.
Classification: Pathogenic for Autosomal recessive congenital ichthyosis type 1. Last evaluated: 2025-02-05. Review status: criteria provided, single submitter. Criteria: Natera Variant Classification Schema (03/2026). Collection method: clinical testing. Allele origin: germline.
Comment: The c.876+2T>C variant in TGM1 is a canonical splice donor site variant predicted to affect pre-mRNA splicing, which may result in an abnormal transcript and altered protein product. This variant is expected to result in nonsense mediated decay, truncation, or a dysfunctional protein product. This variant is rare in the general population with a frequency below the threshold expected for the associated phenotype(s). This variant has been observed in one or more individuals affected with the associated recessive disease, as either homozygous or compound heterozygous with a second variant (PMID: 19241467, 22437313). Given the available evidence, this variant is classified as Pathogenic.

Department of Pathology and Laboratory Medicine, Sinai Health System
Classification: Pathogenic for Autosomal recessive congenital ichthyosis 1. Last evaluated: 2023-05-17. Review status: criteria provided, single submitter. Criteria: ACMG Guidelines, 2015. Collection method: research. Allele origin: germline.

Myriad Genetics, Inc.
Classification: Pathogenic for Autosomal recessive congenital ichthyosis 1. Last evaluated: 2021-11-16. Review status: criteria provided, single submitter. Criteria: Myriad Women's Health Autosomal Recessive and X-Linked Classification Criteria (2021). Collection method: clinical testing. Allele origin: unknown.
Comment: NM_000359.2(TGM1):c.876+2T>C is a canonical splice variant classified as pathogenic in the context of TGM1-related autosomal recessive congenital ichthyosis. c.876+2T>C has been observed in cases with relevant disease (PMID: 28403434, 18948357, 19241467, 22437313). Functional assessments of this variant are not available in the literature. c.876+2T>C has been observed in population frequency databases (gnomAD: NFE 0.005%). In summary, NM_000359.2(TGM1):c.876+2T>C is a canonical splice variant in a gene where loss of function is a known mechanism of disease, is predicted to disrupt protein function, and has been observed more frequently in cases with the relevant disease than in healthy populations. Please note: this variant was assessed in the context of healthy population screening.

GeneDx
Classification: Pathogenic. Last evaluated: 2019-01-21. Review status: criteria provided, single submitter. Criteria: GeneDx Variant Classification (06012015). Collection method: clinical testing. Allele origin: germline. Affected: yes.
Comment: The c.876+2 T>C variant in the TGM1 gene has been reported previously in association with autosomal recessive congenital ichthyosis (Farasat et al., 2009). This splice site variant destroys the canonical splice donor site in intron 5. It is predicted to cause abnormal gene splicing, either leading to an abnormal message that is subject to nonsense-mediated mRNA decay, or to an abnormal protein product if the message is used for protein translation. In addition, the c.876+2 T>C variant was not observed in approximately 6,500 individuals of European and African American ancestry in the NHLBI Exome Sequencing Project, indicating it is not a common benign variant in these populations. We interpret c.876+2 T>C as a pathogenic variant.

Eurofins Ntd Llc (ga)
Classification: Pathogenic. Last evaluated: 2018-08-03. Review status: criteria provided, single submitter. Criteria: EGL ClinVar v180209 classification definitions. Collection method: clinical testing. Allele origin: germline. Observed: 1 variant allele, 1 heterozygote.

Genome-Nilou Lab
Classification: Likely pathogenic for Autosomal recessive congenital ichthyosis 1. Review status: criteria provided, single submitter. Criteria: ACMG Guidelines, 2015. Collection method: clinical testing. Allele origin: germline.

Literature cited by the submitters: PubMed 16199547 (cited by Labcorp Genetics (formerly Invitae), Labcorp); PubMed 18948357 (cited by Labcorp Genetics (formerly Invitae), Labcorp and Myriad Genetics, Inc.); PubMed 19241467 (cited by 3 submitters); PubMed 22437313 (cited by 3 submitters); PubMed 28403434 (cited by Labcorp Genetics (formerly Invitae), Labcorp and Myriad Genetics, Inc.).